The following is an entry in ClinVar:

ClinVar aggregate classification (germline): Uncertain significance. Review status: criteria provided, multiple submitters, no conflicts (2 of 4 stars). 3 submissions from 3 submitters: Uncertain significance (3). Last evaluated 2025-05-28.

Conditions:
Emery-Dreifuss muscular dystrophy 5, autosomal dominant (EDMD5). Also called: EMERY-DREIFUSS MUSCULAR DYSTROPHY 5. Identifiers: Orphanet 261, MedGen C2751805, MONDO:0013072, OMIM 612999.

Allele frequency attached by ClinVar (database versions not stated): gnomAD exomes below 0.00001; TOPMed 0.00001; gnomAD 0.00003.
gnomAD v4.1: 12 of 1,614,050 alleles (0.00074%); highest among the groups gnomAD compares: Non-Finnish European, 0.00093%; no homozygotes.

Submissions (3):

Labcorp Genetics (formerly Invitae), Labcorp
Classification: Uncertain significance for Emery-Dreifuss muscular dystrophy 5, autosomal dominant. Last evaluated: 2025-05-28. Review status: criteria provided, single submitter. Criteria: Invitae Variant Classification Sherloc (09022015). Collection method: clinical testing. Allele origin: germline.
Comment: This sequence change replaces valine, which is neutral and non-polar, with alanine, which is neutral and non-polar, at codon 5726 of the SYNE2 protein (p.Val5726Ala). This variant is present in population databases (no rsID available, gnomAD 0.002%). This variant has not been reported in the literature in individuals affected with SYNE2-related conditions. ClinVar contains an entry for this variant (Variation ID: 573794). An algorithm developed to predict the effect of missense changes on protein structure and function outputs the following: PolyPhen-2: "Benign". The alanine amino acid residue is found in multiple mammalian species, which suggests that this missense change does not adversely affect protein function. In summary, the available evidence is currently insufficient to determine the role of this variant in disease. Therefore, it has been classified as a Variant of Uncertain Significance.

Ambry Genetics
Classification: Uncertain significance. Last evaluated: 2024-07-31. Review status: criteria provided, single submitter. Criteria: Ambry Variant Classification Scheme 2023. Collection method: clinical testing. Allele origin: germline.

Revvity Omics, Revvity
Classification: Uncertain significance for Emery-Dreifuss muscular dystrophy 5, autosomal dominant. Last evaluated: 2019-03-15. Review status: criteria provided, single submitter. Criteria: ACMG Guidelines, 2015. Collection method: clinical testing. Allele origin: germline.

NM_182914.3(SYNE2):c.17177T>C (p.Val5726Ala)

Gene: SYNE2 (spectrin repeat containing nuclear envelope protein 2; plus strand). Cytogenetic location: 14q23.2.
Variant type: single nucleotide variant.
Coding change: c.17177T>C on transcript NM_182914.3 (MANE Select); coding-DNA position 17177, T replaced by C.
Protein change: p.Val5726Ala; replaces valine 5726 with alanine.
Molecular consequence: missense variant.
Genome position (GRCh38, 1-based): chr14:64,170,404, T>C. VCF-style: chr14-64170404-T-C. GRCh37 (hg19) VCF-style: chr14-64637122-T-C.
Other names: c.17177T>C, p.Val5726Ala (NM_015180.6); short protein forms V5726A.
Identifiers: ClinVar variation 573794 (VCV000573794.12), dbSNP rs944538946, ClinGen allele CA261835248.